The following is an entry in ClinVar:

NM_152564.5(VPS13B):c.11831_11841delinsG (p.Pro3944fs)

Gene: VPS13B (vacuolar protein sorting 13 homolog B; plus strand). Cytogenetic location: 8q22.2.
Variant type: Indel.
Coding change: c.11831_11841delinsG on transcript NM_152564.5 (MANE Select); coding-DNA positions 11831 to 11841, CCAGCTGTTCT replaced by G.
Protein change: p.Pro3944fs; shifts the reading frame from proline 3944.
Molecular consequence: frameshift variant.
Genome position (GRCh38, 1-based): chr8:99,875,503-99,875,513, CCAGCTGTTCT replaced by G. VCF-style: chr8-99875503-CCAGCTGTTCT-G. GRCh37 (hg19) VCF-style: chr8-100887731-CCAGCTGTTCT-G.
Other names: c.11906_11916delCCAGCTGTTCTinsG (NM_017890.4); c.11906_11916delinsG, p.Pro3969fs (NM_017890.5); short protein forms P3944fs, P3969fs.
Identifiers: ClinVar variation 188770 (VCV000188770.15), dbSNP rs786204456, ClinGen allele CA273935.

ClinVar aggregate classification (germline): Pathogenic/Likely pathogenic. Review status: criteria provided, multiple submitters, no conflicts (2 of 4 stars). 9 submissions from 9 submitters: Pathogenic (2); Likely pathogenic (5). 2 of the submissions do not count toward it. Last evaluated 2026-01-29.

Conditions:
VPS13B-related disorder. Also called: VPS13B-related condition.
Cohen syndrome (COH1). Also called: PEPPER SYNDROME; Cutis verticis gyrata, retinitis pigmentosa, and sensorineural deafness. Identifiers: Orphanet 193, MedGen C0265223, MONDO:0008999, OMIM 216550.

Submissions (9):

Women's Health and Genetics/Laboratory Corporation of America, LabCorp
Classification: Pathogenic for Cohen syndrome. Last evaluated: 2026-01-29. Review status: criteria provided, single submitter. Criteria: LabCorp Variant Classification Summary - May 2015. Collection method: clinical testing. Allele origin: germline.
Comment: Variant summary: VPS13B c.11906_11916delinsG (p.Pro3969ArgfsX41) results in a premature termination codon in the last exon, predicted to cause a truncation of the encoded protein. The variant allele was found at a frequency of 6.3e-06 in 318714 control chromosomes. c.11906_11916delinsG has been observed in individual(s) affected with Cohen Syndrome (Pode-Shakked_2021). To our knowledge, no experimental evidence demonstrating an impact on protein function has been reported. At least one downstream variant has been classified as pathogenic by our lab, providing evidence that the region altered by the variant is critical to protein function. The following publications have been ascertained in the context of this evaluation (PMID: 27533158, 29431110, 34580403). ClinVar contains an entry for this variant (Variation ID: 188770). Based on the evidence outlined above, the variant was classified as pathogenic.

Labcorp Genetics (formerly Invitae), Labcorp
Classification: Pathogenic for Cohen syndrome. Last evaluated: 2025-08-17. Review status: criteria provided, single submitter. Criteria: Invitae Variant Classification Sherloc (09022015). Collection method: clinical testing. Allele origin: germline.
Comment: This sequence change creates a premature translational stop signal (p.Pro3969Argfs*41) in the VPS13B gene. While this is not anticipated to result in nonsense mediated decay, it is expected to disrupt the last 54 amino acid(s) of the VPS13B protein. Information on the frequency of this variant in the gnomAD database is not available, as this variant may be reported differently in the database. This premature translational stop signal has been observed in individual(s) with clinical features of Cohen syndrome (PMID: 34580403). This variant disrupts a region of the VPS13B protein in which other variant(s) (p.Lys3991Leufs*23) have been determined to be pathogenic (internal data). This suggests that this is a clinically significant region of the protein, and that variants that disrupt it are likely to be disease-causing. For these reasons, this variant has been classified as Pathogenic.

Natera, Inc.
Classification: Likely pathogenic for Cohen syndrome. Last evaluated: 2025-08-06. Review status: criteria provided, single submitter. Criteria: Natera Variant Classification Schema (03/2026). Collection method: clinical testing. Allele origin: germline.
Comment: The c.11906_11916delCCAGCTGTTCTinsG variant in VPS13B is a frameshift variant predicted to shift the reading frame beginning at codon 3969 and leads to a stop codon 41 codons downstream. This variant is expected to result in nonsense mediated decay, truncation, or a dysfunctional protein product. This variant is rare in the general population with a frequency below the threshold expected for the associated phenotype(s). This variant has been observed in one or more individuals affected with the associated recessive disease, as either homozygous or compound heterozygous with a second variant (PMID: 34580403). Given the available evidence, this variant is classified as Likely Pathogenic.

Fulgent Genetics
Classification: Likely pathogenic for Cohen syndrome. Last evaluated: 2024-04-27. Review status: criteria provided, single submitter. Criteria: ACMG Guidelines, 2015. Collection method: clinical testing. Allele origin: germline.

New York Genome Center
Classification: Likely pathogenic for Cohen syndrome. Last evaluated: 2022-10-27. Review status: criteria provided, single submitter. Criteria: NYGC Assertion Criteria 2020. Collection method: clinical testing. Allele origin: germline. Observed: 1 heterozygote.

Blueprint Genetics
Classification: Likely pathogenic for VPS13B-related disorders. Last evaluated: 2020-04-07. Review status: criteria provided, single submitter. Criteria: ACMG Guidelines, 2015. Collection method: clinical testing. Allele origin: germline. Affected: yes. Observed: 2 variant alleles.

GeneDx
Classification: Likely pathogenic. Last evaluated: 2017-09-25. Review status: criteria provided, single submitter. Criteria: GeneDx Variant Classification (06012015). Collection method: clinical testing. Allele origin: germline. Affected: yes.
Comment: The c.11906_11916del11insG variant in the VPS13B gene has not been reported previously as a pathogenic variant nor as a benign variant, to our knowledge. The c.11906_11916del11insG variant causes a frameshift starting with codon Proline 3969, changes this amino acid to an Arginine residue, and creates a premature Stop codon at position 41 of the new reading frame, denoted p.Pro3969ArgfsX41. This variant is predicted to cause loss of normal protein function through protein truncation. The c.11906_11916del11insG variant is not observed in large population cohorts (Lek et al., 2016). We interpret c.11906_11916del11insG as a likely pathogenic variant.

Pediatric Genetics Clinic, Sheba Medical Center
Classification: Pathogenic for Cohen syndrome. Last evaluated: 2021-05-13. Review status: no assertion criteria provided. Collection method: clinical testing. Allele origin: inherited. Affected: yes. Observed: 1 compound heterozygote. Not counted in ClinVar's aggregate classification.

Counsyl
Classification: Likely pathogenic for Cohen syndrome. Last evaluated: 2014-04-29. Review status: no assertion criteria provided. Collection method: literature only. Allele origin: unknown. Inheritance: Autosomal recessive inheritance. Not counted in ClinVar's aggregate classification.

Literature cited by the submitters: PubMed 27533158 (cited by Women's Health and Genetics/Laboratory Corporation of America, LabCorp); PubMed 29431110 (cited by Women's Health and Genetics/Laboratory Corporation of America, LabCorp); PubMed 34580403 (cited by 3 submitters); PubMed 20461111 (cited by Counsyl); PubMed 15141358 (cited by Counsyl).